The following is an entry in ClinVar:

ClinVar aggregate classification (germline): Uncertain significance. Review status: criteria provided, multiple submitters, no conflicts (2 of 4 stars). 2 submissions from 2 submitters: Uncertain significance (2). Last evaluated 2023-03-20.

Conditions:
PTCHD1-related disorder. Also called: PTCHD1-related condition.
Inborn genetic diseases. Identifiers: MedGen C0950123, MeSH D030342.

Allele frequency attached by ClinVar (database versions not stated): gnomAD exomes 0.00002.
gnomAD v4.1: 17 of 1,211,387 alleles (0.0014%); highest among the groups gnomAD compares: Non-Finnish European, 0.0019%; no homozygotes.

Submissions (2):

PreventionGenetics, part of Exact Sciences
Classification: Uncertain significance for PTCHD1-related condition. Last evaluated: 2023-03-20. Review status: criteria provided, single submitter. Criteria: ACMG Guidelines, 2015. Collection method: clinical testing. Allele origin: germline.
Comment: The PTCHD1 c.1987G>C variant is predicted to result in the amino acid substitution p.Asp663His. To our knowledge, this variant has not been reported in the literature. This variant is reported in 0.0024% of alleles in individuals of European (Non-Finnish) descent in gnomAD. At this time, the clinical significance of this variant is uncertain due to the absence of conclusive functional and genetic evidence.

Ambry Genetics
Classification: Uncertain significance for Inborn genetic diseases. Last evaluated: 2023-02-15. Review status: criteria provided, single submitter. Criteria: Ambry Variant Classification Scheme 2023. Collection method: clinical testing. Allele origin: germline.

NM_173495.3(PTCHD1):c.1987G>C (p.Asp663His)

Gene: PTCHD1 (patched domain containing 1; plus strand). Cytogenetic location: Xp22.11.
Variant type: single nucleotide variant.
Coding change: c.1987G>C on transcript NM_173495.3 (MANE Select); coding-DNA position 1987, G replaced by C.
Protein change: p.Asp663His; replaces aspartic acid 663 with histidine.
Molecular consequence: missense variant.
Genome position (GRCh38, 1-based): chrX:23,393,505, G>C. VCF-style: chrX-23393505-G-C. GRCh37 (hg19) VCF-style: chrX-23411622-G-C.
Other names: short protein forms D663H.
Identifiers: ClinVar variation 2485413 (VCV002485413.3), dbSNP rs753395256, ClinGen allele CA327634980.